The following is an entry in ClinVar:

ClinVar aggregate classification (germline): Uncertain significance (1 of 4 stars; one submission).

Conditions:
CEP164-related disorder. Also called: CEP164-related condition.

gnomAD v4.1: 2 of 1,613,572 alleles (0.00012%); highest among the groups gnomAD compares: African/African-American, 0.0013%; no homozygotes.

Submission:

PreventionGenetics, part of Exact Sciences
Classification: Uncertain significance for CEP164-related condition. Last evaluated: 2026-09-22. Review status: criteria provided, single submitter. Criteria: ACMG Guidelines, 2015. Collection method: clinical testing. Allele origin: germline.
Comment: The CEP164 c.1981C>G variant is predicted to result in the amino acid substitution p.Arg661Gly. To our knowledge, this variant has not been reported in the literature or in a large population database (gnomAD), indicating this variant is rare. At this time, the clinical significance of this variant is uncertain due to the absence of conclusive functional and genetic evidence.

NM_014956.5(CEP164):c.1981C>G (p.Arg661Gly)

Gene: CEP164 (centrosomal protein 164; plus strand). Cytogenetic location: 11q23.3.
Variant type: single nucleotide variant.
Coding change: c.1981C>G on transcript NM_014956.5 (MANE Select); coding-DNA position 1981, C replaced by G.
Protein change: p.Arg661Gly; replaces arginine 661 with glycine.
Molecular consequence: missense variant.
Genome position (GRCh38, 1-based): chr11:117,390,823, C>G. VCF-style: chr11-117390823-C-G. GRCh37 (hg19) VCF-style: chr11-117261539-C-G.
Other names: c.1990C>G, p.Arg664Gly (NM_001271933.2, NM_001440949.1); c.1981C>G, p.Arg661Gly (NM_001440950.1, NM_001440951.1, NM_001440953.1); c.1816C>G, p.Arg606Gly (NM_001440952.1, NM_001440968.1, NM_001440969.1); c.1903C>G, p.Arg635Gly (NM_001440954.1, NM_001440955.1, NM_001440958.1 and 1 more transcripts); c.1894C>G, p.Arg632Gly (NM_001440956.1, NM_001440957.1); c.1852C>G, p.Arg618Gly (NM_001440960.1); c.1843C>G, p.Arg615Gly (NM_001440961.1, NM_001440967.1); c.1834C>G, p.Arg612Gly (NM_001440962.1, NM_001440963.1, NM_001440964.1 and 4 more transcripts); and 7 more; short protein forms R516G, R661G, R536G, R542G, R608G, R606G, R618G, R664G.
Identifiers: ClinVar variation 4978566 (VCV004978566.1).